The following is an entry in ClinVar:

NM_001035.3(RYR2):c.8062A>G (p.Met2688Val)

Gene: RYR2 (ryanodine receptor 2; plus strand). Cytogenetic location: 1q43.
Variant type: single nucleotide variant.
Coding change: c.8062A>G on transcript NM_001035.3 (MANE Select); coding-DNA position 8062, A replaced by G.
Protein change: p.Met2688Val; replaces methionine 2688 with valine.
Molecular consequence: missense variant.
Genome position (GRCh38, 1-based): chr1:237,655,917, A>G. VCF-style: chr1-237655917-A-G. GRCh37 (hg19) VCF-style: chr1-237819217-A-G.
Other names: short protein forms M2688V.
Identifiers: ClinVar variation 4738327 (VCV004738327.1).

ClinVar aggregate classification (germline): Uncertain significance (1 of 4 stars; one submission).

Conditions:
Catecholaminergic polymorphic ventricular tachycardia 1. Also called: VENTRICULAR TACHYCARDIA, CATECHOLAMINERGIC POLYMORPHIC, 1, WITH OR WITHOUT ATRIAL DYSFUNCTION AND/OR DILATED CARDIOMYOPATHY; RYR2-Related Catecholaminergic Polymorphic Ventricular Tachycardia; VENTRICULAR TACHYCARDIA, STRESS-INDUCED POLYMORPHIC 1. Identifiers: Orphanet 3286, MedGen C1631597, MONDO:0011484, OMIM 604772.

gnomAD v4.1: 1 of 1,613,186 alleles (0.000062%); no homozygotes.

Submission:

Labcorp Genetics (formerly Invitae), Labcorp
Classification: Uncertain significance for Catecholaminergic polymorphic ventricular tachycardia 1. Last evaluated: 2025-08-01. Review status: criteria provided, single submitter. Criteria: Invitae Variant Classification Sherloc (09022015). Collection method: clinical testing. Allele origin: germline.
Comment: This sequence change replaces methionine, which is neutral and non-polar, with valine, which is neutral and non-polar, at codon 2688 of the RYR2 protein (p.Met2688Val). This variant is not present in population databases (gnomAD no frequency). This variant has not been reported in the literature in individuals affected with RYR2-related conditions. Invitae Evidence Modeling of protein sequence and biophysical properties (such as structural, functional, and spatial information, amino acid conservation, physicochemical variation, residue mobility, and thermodynamic stability) indicates that this missense variant is not expected to disrupt RYR2 protein function with a negative predictive value of 95%. In summary, the available evidence is currently insufficient to determine the role of this variant in disease. Therefore, it has been classified as a Variant of Uncertain Significance.